The following is an entry in ClinVar:

NM_000038.6(APC):c.135+5C>A

Gene: APC (APC regulator of Wnt signaling pathway; plus strand). Cytogenetic location: 5q22.2.
Variant type: single nucleotide variant.
Coding change: c.135+5C>A on transcript NM_000038.6 (MANE Select); 5 bases into the intron after coding-DNA position 135, C replaced by A.
Molecular consequence: intron variant.
Genome position (GRCh38, 1-based): chr5:112,755,030, C>A. VCF-style: chr5-112755030-C-A. GRCh37 (hg19) VCF-style: chr5-112090727-C-A.
Other names: c.-901+5C>A (NM_001407470.1, NM_001407472.1, NM_001354906.2 and 1 more transcripts); c.135+5C>A (NM_001407447.1, NM_001354895.2, NM_001407456.1 and 16 more transcripts); c.166-11296C>A (NM_001407446.1, NM_001354897.2, NM_001354902.2 and 1 more transcripts); c.-42-11296C>A (NM_001407453.1, NM_001354900.2, NM_001354901.2 and 1 more transcripts); c.61-11296C>A (NM_001407451.1, NM_001354898.2, NM_001354904.2).
Identifiers: ClinVar variation 2587033 (VCV002587033.2), dbSNP rs1754805687, ClinGen allele CA2582341260.

ClinVar aggregate classification (germline): Uncertain significance (1 of 4 stars; one submission).

Conditions:
Hereditary cancer-predisposing syndrome. Also called: Hereditary neoplastic syndrome; Tumor predisposition; Hereditary Cancer Syndrome; Neoplastic Syndromes, Hereditary. Identifiers: Orphanet 140162, MedGen C0027672, MeSH D009386, MONDO:0015356.

Submission:

Ambry Genetics
Classification: Uncertain significance for Hereditary cancer-predisposing syndrome. Last evaluated: 2023-09-02. Review status: criteria provided, single submitter. Criteria: Ambry Variant Classification Scheme 2023. Collection method: clinical testing. Allele origin: germline.
Comment: The c.135+5C>A intronic variant results from a C to A substitution 5 nucleotides after coding exon 1 in the APC gene. This nucleotide position is well conserved in available vertebrate species. In silico splice site analysis predicts that this alteration will not have any significant effect on splicing. Since supporting evidence is limited at this time, the clinical significance of this alteration remains unclear.